The following is an entry in ClinVar:

ClinVar aggregate classification (germline): Uncertain significance (1 of 4 stars; one submission).

Allele frequency attached by ClinVar (database versions not stated): gnomAD 0.00007; TOPMed 0.00009; gnomAD exomes 0.00011; 1000 Genomes Project 30x 0.00016; 1000 Genomes Project 0.00020.
gnomAD v4.1: 158 of 1,542,466 alleles (0.01%); highest among the groups gnomAD compares: Non-Finnish European, 0.013%; no homozygotes.

Submission:

Labcorp Genetics (formerly Invitae), Labcorp
Classification: Uncertain significance. Last evaluated: 2022-12-25. Review status: criteria provided, single submitter. Criteria: Invitae Variant Classification Sherloc (09022015). Collection method: clinical testing. Allele origin: germline.
Comment: This sequence change replaces leucine, which is neutral and non-polar, with valine, which is neutral and non-polar, at codon 1192 of the MYH7B protein (p.Leu1192Val). In summary, the available evidence is currently insufficient to determine the role of this variant in disease. Therefore, it has been classified as a Variant of Uncertain Significance. Advanced modeling of protein sequence and biophysical properties (such as structural, functional, and spatial information, amino acid conservation, physicochemical variation, residue mobility, and thermodynamic stability) performed at Invitae indicates that this missense variant is not expected to disrupt MYH7B protein function. This variant has not been reported in the literature in individuals affected with MYH7B-related conditions. This variant is present in population databases (rs576379801, gnomAD 0.02%).

NM_020884.7(MYH7B):c.3448C>G (p.Leu1150Val)

Gene: MYH7B (myosin heavy chain 7B; plus strand). Cytogenetic location: 20q11.22.
Variant type: single nucleotide variant.
Coding change: c.3448C>G on transcript NM_020884.7 (MANE Select); coding-DNA position 3448, C replaced by G.
Protein change: p.Leu1150Val; replaces leucine 1150 with valine.
Molecular consequence: missense variant.
Genome position (GRCh38, 1-based): chr20:34,997,341, C>G. VCF-style: chr20-34997341-C-G. GRCh37 (hg19) VCF-style: chr20-33585144-C-G.
Other names: short protein forms L1150V.
Identifiers: ClinVar variation 2732536 (VCV002732536.3), dbSNP rs576379801, ClinGen allele CA9827735.